The following is an entry in ClinVar:

NM_016616.5(NME8):c.1359_1362dup (p.Gly455fs)

Gene: NME8 (NME/NM23 family member 8; plus strand). Cytogenetic location: 7p14.1.
Variant type: Duplication.
Coding change: c.1359_1362dup on transcript NM_016616.5 (MANE Select); coding-DNA positions 1359 to 1362, 4 bases duplicated (TTTA; older notation c.1359_1362dupTTTA).
Protein change: p.Gly455fs; shifts the reading frame from glycine 455.
Molecular consequence: frameshift variant.
Genome position (GRCh38, 1-based): chr7:37,888,388-37,888,391, TTTA duplicated. VCF-style (leftmost placement, unchanged base first): chr7-37888387-C-CTTTA. GRCh37 (hg19) VCF-style: chr7-37927989-C-CTTTA.
Other names: short protein forms G455fs.
Identifiers: ClinVar variation 1770750 (VCV001770750.2), dbSNP rs2483663806, ClinGen allele CA2580077091.

ClinVar aggregate classification (germline): Uncertain significance (1 of 4 stars; one submission).

Conditions:
Primary ciliary dyskinesia. Also called: Ciliary dyskinesia. Identifiers: Orphanet 244, MedGen C0008780, MONDO:0016575, HP:0012265.

Submission:

Ambry Genetics
Classification: Uncertain significance for Primary ciliary dyskinesia. Last evaluated: 2021-08-27. Review status: criteria provided, single submitter. Criteria: Ambry Variant Classification Scheme 2023. Collection method: clinical testing. Allele origin: germline.
Comment: The c.1359_1362dupTTTA variant, located in coding exon 13 of the NME8 gene, results from a duplication of TTTA at nucleotide position 1359, causing a translational frameshift with a predicted alternate stop codon (p.G455Ffs*5). This alteration is expected to result in premature protein truncation or nonsense-mediated mRNA decay. However, loss of function of NME8 has not been clearly established as a mechanism of disease. Since supporting evidence is limited at this time, the clinical significance of this alteration remains unclear.